The following is an entry in ClinVar:

NM_000256.3(MYBPC3):c.905+1del

Gene: MYBPC3 (myosin binding protein C3; minus strand). Cytogenetic location: 11p11.2.
Variant type: Deletion.
Coding change: c.905+1del on transcript NM_000256.3 (MANE Select); the canonical splice donor site of the intron after coding-DNA position 905, one base deleted (G; older notation c.905+1delG).
Molecular consequence: splice donor variant.
Genome position (GRCh38, 1-based): chr11:47,347,425, C deleted on the plus strand (G on the coding strand, the reverse complement: MYBPC3 is on the minus strand); the first of 2 consecutive C bases (chr11:47,347,425-47,347,426); deleting either gives the same sequence. VCF-style (leftmost placement, unchanged base first): chr11-47347424-AC-A. GRCh37 (hg19) VCF-style: chr11-47368975-AC-A.
Identifiers: ClinVar variation 4749665 (VCV004749665.1).

ClinVar aggregate classification (germline): Pathogenic (1 of 4 stars; one submission).

Conditions:
Hypertrophic cardiomyopathy. Also called: HYPERTROPHIC MYOCARDIOPATHY. Identifiers: Orphanet 217569, MedGen C0007194, MeSH D002312, MONDO:0005045, HP:0001639.

Submission:

Labcorp Genetics (formerly Invitae), Labcorp
Classification: Pathogenic for Hypertrophic cardiomyopathy. Last evaluated: 2025-11-10. Review status: criteria provided, single submitter. Criteria: Invitae Variant Classification Sherloc (09022015). Collection method: clinical testing. Allele origin: germline.
Comment: This sequence change creates a premature translational stop signal (p.Arg302Lysfs*48) in the MYBPC3 gene. It is expected to result in an absent or disrupted protein product. Loss-of-function variants in MYBPC3 are known to be pathogenic (PMID: 19574547). This variant has not been reported in the literature in individuals affected with MYBPC3-related conditions. This variant is also known as c.905+1del. For these reasons, this variant has been classified as Pathogenic.

Literature cited by the submitters: PubMed 19574547.